The following is an entry in ClinVar:

NM_000130.5(F5):c.315G>T (p.Lys105Asn)

Gene: F5 (coagulation factor V; minus strand). Cytogenetic location: 1q24.2.
Variant type: single nucleotide variant.
Coding change: c.315G>T on transcript NM_000130.5 (MANE Select); coding-DNA position 315, G replaced by T.
Protein change: p.Lys105Asn; replaces lysine 105 with asparagine.
Molecular consequence: missense variant.
Genome position (GRCh38, 1-based): chr1:169,572,279, C>A on the plus strand (G>T on the coding strand, the complement: F5 is on the minus strand). VCF-style: chr1-169572279-C-A. GRCh37 (hg19) VCF-style: chr1-169541517-C-A.
Other names: short protein forms K105N.
Identifiers: ClinVar variation 3375227 (VCV003375227.1).
Genomic context (GRCh38, chr1:169,572,279, plus strand): 5'-ACCTTCTGATAATTTACTGTACCTAATTCCTTGAGGATGGATGCTCAAGGGCTTATCTGC[C>A]TTATTTTTAAAGTGAACTTTTATGATGTCTCCGACTTCAGCATATAAAGTAGGCCCAAGA-3'
Protein context (NP_000121.2, residues 95-115): GDIIKVHFKN[Lys105Asn]ADKPLSIHPQ

ClinVar aggregate classification (germline): Uncertain significance (1 of 4 stars; one submission).

Submission:

Women's Health and Genetics/Laboratory Corporation of America, LabCorp
Classification: Uncertain significance. Last evaluated: 2024-09-24. Review status: criteria provided, single submitter. Criteria: LabCorp Variant Classification Summary - May 2015. Collection method: clinical testing. Allele origin: germline.
Comment: Variant summary: F5 c.315G>T (p.Lys105Asn) results in a non-conservative amino acid change in the encoded protein sequence. Three of five in-silico tools predict a damaging effect of the variant on protein function. The variant allele was found at a frequency of 1.6e-05 in 250742 control chromosomes. The available data on variant occurrences in the general population are insufficient to allow any conclusion about variant significance. To our knowledge, no occurrence of c.315G>T in individuals affected with Congenital Factor V Deficiency and no experimental evidence demonstrating its impact on protein function have been reported. No submitters have cited clinical-significance assessments for this variant to ClinVar. Based on the evidence outlined above, the variant was classified as uncertain significance.